The following is an entry in ClinVar:

NM_001282225.2(ADA2):c.250A>G (p.Met84Val)

Gene: ADA2 (adenosine deaminase 2; minus strand). Cytogenetic location: 22q11.1.
Variant type: single nucleotide variant.
Coding change: c.250A>G on transcript NM_001282225.2 (MANE Select); coding-DNA position 250, A replaced by G.
Protein change: p.Met84Val; replaces methionine 84 with valine.
Molecular consequence: missense variant. On other transcripts: intron variant (1).
Genome position (GRCh38, 1-based): chr22:17,209,428, T>C on the plus strand (A>G on the coding strand, the complement: ADA2 is on the minus strand). VCF-style: chr22-17209428-T-C. GRCh37 (hg19) VCF-style: chr22-17690318-T-C.
Other names: c.250A>G, p.Met84Val (NM_001282226.2); c.124A>G, p.Met42Val (NM_001282227.2, NM_001282228.2); c.-38-2138A>G (NM_001282229.2); short protein forms M84V, M42V.
Identifiers: ClinVar variation 2070379 (VCV002070379.3), dbSNP rs143853882, ClinGen allele CA10088295.

ClinVar aggregate classification (germline): Uncertain significance. Review status: criteria provided, multiple submitters, no conflicts (2 of 4 stars). 2 submissions from 2 submitters: Uncertain significance (2). Last evaluated 2024-04-09.

Conditions:
Deficiency of adenosine deaminase 2. Also called: Adenosine Deaminase 2 Deficiency; VASCULITIS, AUTOINFLAMMATION, IMMUNODEFICIENCY, AND HEMATOLOGIC DEFECTS SYNDROME; Polyarteritis nodosa, childhoood-onset. Identifiers: Orphanet 404553, MedGen C3887654, MONDO:0014306, OMIM 615688, MONDO:0100317.
Sneddon syndrome (SNDNS). Also called: LIVEDO RETICULARIS AND CEREBROVASCULAR ACCIDENTS; Idiopathic livedo reticularis with systemic involvement. Identifiers: Orphanet 820, MedGen C0282492, MONDO:0008436, OMIM 182410.

Allele frequency attached by ClinVar (database versions not stated): gnomAD exomes 0.00003; 1000 Genomes Project 30x 0.00016; ExAC 0.00016; 1000 Genomes Project 0.00020; gnomAD 0.00033; TOPMed 0.00040; ESP Exome Variant Server 0.00046.
gnomAD v4.1: 96 of 1,614,152 alleles (0.0059%); highest among the groups gnomAD compares: African/African-American, 0.12%; no homozygotes.

Submissions (2):

Fulgent Genetics
Classification: Uncertain significance for Sneddon syndrome; Deficiency of adenosine deaminase 2. Last evaluated: 2024-04-09. Review status: criteria provided, single submitter. Criteria: ACMG Guidelines, 2015. Collection method: clinical testing. Allele origin: germline.

Labcorp Genetics (formerly Invitae), Labcorp
Classification: Uncertain significance for Deficiency of adenosine deaminase 2. Last evaluated: 2024-01-08. Review status: criteria provided, single submitter. Criteria: Invitae Variant Classification Sherloc (09022015). Collection method: clinical testing. Allele origin: germline.
Comment: This sequence change replaces methionine, which is neutral and non-polar, with valine, which is neutral and non-polar, at codon 84 of the ADA2 protein (p.Met84Val). This variant is present in population databases (rs143853882, gnomAD 0.2%). This variant has not been reported in the literature in individuals affected with ADA2-related conditions. ClinVar contains an entry for this variant (Variation ID: 2070379). Algorithms developed to predict the effect of missense changes on protein structure and function output the following: SIFT: "Not Available"; PolyPhen-2: "Benign"; Align-GVGD: "Not Available". The valine amino acid residue is found in multiple mammalian species, which suggests that this missense change does not adversely affect protein function. In summary, the available evidence is currently insufficient to determine the role of this variant in disease. Therefore, it has been classified as a Variant of Uncertain Significance.